The following is an entry in ClinVar:

ClinVar aggregate classification (germline): Uncertain significance (1 of 4 stars; one submission).

Conditions:
Hereditary cancer-predisposing syndrome. Also called: Neoplastic Syndromes, Hereditary; Tumor predisposition; Hereditary Cancer Syndrome; Hereditary neoplastic syndrome. Identifiers: Orphanet 140162, MedGen C0027672, MeSH D009386, MONDO:0015356.

Submission:

Ambry Genetics
Classification: Uncertain significance for Hereditary cancer-predisposing syndrome. Last evaluated: 2025-10-14. Review status: criteria provided, single submitter. Criteria: Ambry Variant Classification Scheme 2023. Collection method: clinical testing. Allele origin: germline.
Comment: The p.I1168M variant (also known as c.3504C>G), located in coding exon 17 of the BLM gene, results from a C to G substitution at nucleotide position 3504. The isoleucine at codon 1168 is replaced by methionine, an amino acid with highly similar properties. This amino acid position is conserved. In addition, this alteration is predicted to be tolerated by in silico analysis. Based on the available evidence, the clinical significance of this variant remains unclear.

NM_000057.4(BLM):c.3504C>G (p.Ile1168Met)

Gene: BLM (BLM RecQ like helicase; plus strand). Cytogenetic location: 15q26.1.
Variant type: single nucleotide variant.
Coding change: c.3504C>G on transcript NM_000057.4 (MANE Select); coding-DNA position 3504, C replaced by G.
Protein change: p.Ile1168Met; replaces isoleucine 1168 with methionine.
Molecular consequence: missense variant. On other transcripts: intron variant (1).
Genome position (GRCh38, 1-based): chr15:90,803,666, C>G. VCF-style: chr15-90803666-C-G. GRCh37 (hg19) VCF-style: chr15-91346896-C-G.
Other names: c.3504C>G, p.Ile1168Met (NM_001287246.2); c.2379C>G, p.Ile793Met (NM_001287248.2); c.3358+5329C>G (NM_001287247.2); short protein forms I1168M, I793M.
Identifiers: ClinVar variation 4622632 (VCV004622632.1).